The following is an entry in ClinVar:

ClinVar aggregate classification (germline): Uncertain significance (1 of 4 stars; one submission).

Submission:

Labcorp Genetics (formerly Invitae), Labcorp
Classification: Uncertain significance. Last evaluated: 2022-05-06. Review status: criteria provided, single submitter. Criteria: Invitae Variant Classification Sherloc (09022015). Collection method: clinical testing. Allele origin: germline.
Comment: This sequence change falls in intron 7 of the MDH2 gene. It does not directly change the encoded amino acid sequence of the MDH2 protein. It affects a nucleotide within the consensus splice site. This variant is present in population databases (no rsID available, gnomAD 0.01%). This variant has not been reported in the literature in individuals affected with MDH2-related conditions. Variants that disrupt the consensus splice site are a relatively common cause of aberrant splicing (PMID: 17576681, 9536098). Algorithms developed to predict the effect of sequence changes on RNA splicing suggest that this variant is not likely to affect RNA splicing. In summary, the available evidence is currently insufficient to determine the role of this variant in disease. Therefore, it has been classified as a Variant of Uncertain Significance.

Literature cited by the submitters: PubMed 17576681; PubMed 9536098.

NM_005918.4(MDH2):c.733+5_733+6del

Gene: MDH2 (malate dehydrogenase 2; plus strand). Cytogenetic location: 7q11.23.
Variant type: Microsatellite.
Coding change: c.733+5_733+6del on transcript NM_005918.4 (MANE Select); bases 5 to 6 of the intron after coding-DNA position 733, 2 bases deleted (AG; older notation c.733+5_733+6delAG).
Molecular consequence: intron variant.
Genome position (GRCh38, 1-based): chr7:76,064,443-76,064,444, AG deleted; deleting any 2 consecutive bases within chr7:76,064,441-76,064,444 gives the same sequence; the c. name uses the placement nearest the transcript's 3' end. VCF-style (leftmost placement, unchanged base first): chr7-76064440-TAG-T. GRCh37 (hg19) VCF-style: chr7-75693758-TAG-T.
Other names: c.607+5_607+6del (NM_001282403.2); c.412+5_412+6del (NM_001282404.2).
Identifiers: ClinVar variation 1396139 (VCV001396139.4), dbSNP rs1459822297, ClinGen allele CA575583145.
Genomic context (GRCh38, chr7:76,064,440, plus strand): 5'-ACTCACTGGGCGGATCCAGGAGGCCGGCACGGAGGTGGTCAAGGCTAAAGCCGGAGCAGG[TAG>T]AGTCTCAGGCAGCCCCGGGGCTGGGTGCCAGTGAGGCCCTGCGAGAGCTCAGGGTTGGGG-3'